The following is an entry in ClinVar:

NM_000368.5(TSC1):c.1159C>G (p.Pro387Ala)

Gene: TSC1 (TSC complex subunit 1; minus strand). Cytogenetic location: 9q34.13.
Variant type: single nucleotide variant.
Coding change: c.1159C>G on transcript NM_000368.5 (MANE Select); coding-DNA position 1159, C replaced by G.
Protein change: p.Pro387Ala; replaces proline 387 with alanine.
Molecular consequence: missense variant. On other transcripts: non-coding transcript variant (5).
Genome position (GRCh38, 1-based): chr9:132,910,675, G>C on the plus strand (C>G on the coding strand, the complement: TSC1 is on the minus strand). VCF-style: chr9-132910675-G-C. GRCh37 (hg19) VCF-style: chr9-135786062-G-C.
Other names: c.1156C>G, p.Pro386Ala (NM_001162426.2, NM_001406597.1, NM_001406598.1 and 6 more transcripts); c.1006C>G, p.Pro336Ala (NM_001162427.2, NM_001406610.1); c.796C>G, p.Pro266Ala (NM_001362177.2, NM_001406614.1, NM_001406615.1 and 5 more transcripts); c.1159C>G, p.Pro387Ala (NM_001406592.1, NM_001406593.1, NM_001406594.1 and 7 more transcripts); c.1003C>G, p.Pro335Ala (NM_001406611.1, NM_001406612.1, NM_001406613.1); c.793C>G, p.Pro265Ala (NM_001406620.1, NM_001406621.1, NM_001406622.1 and 2 more transcripts); c.208C>G, p.Pro70Ala (NM_001406626.1); c.205C>G, p.Pro69Ala (NM_001406627.1, NM_001406628.1); and 1 more; short protein forms P70A, P335A, P387A, P69A, P265A, P36A, P386A, P266A.
Identifiers: ClinVar variation 3462458 (VCV003462458.1).

ClinVar aggregate classification (germline): Uncertain significance (1 of 4 stars; one submission).

Conditions:
Hereditary cancer-predisposing syndrome. Also called: Tumor predisposition; Neoplastic Syndromes, Hereditary; Hereditary neoplastic syndrome; Hereditary Cancer Syndrome. Identifiers: Orphanet 140162, MedGen C0027672, MeSH D009386, MONDO:0015356.

Submission:

Ambry Genetics
Classification: Uncertain significance for Hereditary cancer-predisposing syndrome. Last evaluated: 2024-07-26. Review status: criteria provided, single submitter. Criteria: Ambry Variant Classification Scheme 2023. Collection method: clinical testing. Allele origin: germline.
Comment: The p.P387A variant (also known as c.1159C>G), located in coding exon 10 of the TSC1 gene, results from a C to G substitution at nucleotide position 1159. The proline at codon 387 is replaced by alanine, an amino acid with highly similar properties. This amino acid position is conserved. In addition, the in silico prediction for this alteration is inconclusive. Based on the available evidence, the clinical significance of this variant remains unclear.